The following is an entry in ClinVar:

ClinVar aggregate classification (germline): Uncertain significance (1 of 4 stars; one submission).

Conditions:
Hereditary cancer-predisposing syndrome. Also called: Neoplastic Syndromes, Hereditary; Tumor predisposition; Hereditary neoplastic syndrome; Hereditary Cancer Syndrome. Identifiers: Orphanet 140162, MedGen C0027672, MeSH D009386, MONDO:0015356.

Submission:

Ambry Genetics
Classification: Uncertain significance for Hereditary cancer-predisposing syndrome. Last evaluated: 2025-04-06. Review status: criteria provided, single submitter. Criteria: Ambry Variant Classification Scheme 2023. Collection method: clinical testing. Allele origin: germline.
Comment: The p.T1296I variant (also known as c.3887C>T), located in coding exon 19 of the MET gene, results from a C to T substitution at nucleotide position 3887. The threonine at codon 1296 is replaced by isoleucine, an amino acid with similar properties. This amino acid position is conserved. In addition, this alteration is predicted to be deleterious by in silico analysis. Based on the available evidence, the clinical significance of this variant remains unclear.

NM_000245.4(MET):c.3833C>T (p.Thr1278Ile)

Gene: MET (MET proto-oncogene, receptor tyrosine kinase; plus strand). Cytogenetic location: 7q31.2.
Variant type: single nucleotide variant.
Coding change: c.3833C>T on transcript NM_000245.4 (MANE Select); coding-DNA position 3833, C replaced by T.
Protein change: p.Thr1278Ile; replaces threonine 1278 with isoleucine.
Molecular consequence: missense variant.
Genome position (GRCh38, 1-based): chr7:116,795,689, C>T. VCF-style: chr7-116795689-C-T. GRCh37 (hg19) VCF-style: chr7-116435743-C-T.
Other names: c.3887C>T, p.Thr1296Ile (NM_001127500.3); c.2543C>T, p.Thr848Ile (NM_001324402.2); short protein forms T1296I, T848I, T1278I.
Identifiers: ClinVar variation 4053945 (VCV004053945.1).
Genomic context (GRCh38, chr7:116,795,689, plus strand): 5'-ATCTGTCCTGTTTCTTGTTTTACTAGTGGTCCTTTGGCGTGCTCCTCTGGGAGCTGATGA[C>T]AAGAGGAGCCCCACCTTATCCTGACGTAAACACCTTTGATATAACTGTTTACTTGTTGCA-3'
Protein context (NP_000236.2, residues 1268-1288): SFGVLLWELM[Thr1278Ile]RGAPPYPDVN